The following is an entry in ClinVar:

NM_001098484.3(SLC4A4):c.1957A>G (p.Met653Val)

Gene: SLC4A4 (solute carrier family 4 member 4; plus strand). Cytogenetic location: 4q13.3.
Variant type: single nucleotide variant.
Coding change: c.1957A>G on transcript NM_001098484.3 (MANE Select); coding-DNA position 1957, A replaced by G.
Protein change: p.Met653Val; replaces methionine 653 with valine.
Molecular consequence: missense variant.
Genome position (GRCh38, 1-based): chr4:71,487,001, A>G. VCF-style: chr4-71487001-A-G. GRCh37 (hg19) VCF-style: chr4-72352718-A-G.
Other names: c.1957A>G, p.Met653Val (NM_001134742.2); c.1825A>G, p.Met609Val (NM_003759.4); short protein forms M653V, M609V.
Identifiers: ClinVar variation 1914012 (VCV001914012.6), dbSNP rs2475717504, ClinGen allele CA357420583.
Genomic context (GRCh38, chr4:71,487,001, plus strand): 5'-CTTACAGCTAATATCTCAATATCTAATGACACCACACTGGCCCCAGAGTATTTGCCAACT[A>G]TGTCTTCTACTGACATGGTAAGTGACTTACTATTTTAAATTACCTTCATACTGACTGCAT-3'
Protein context (NP_001091954.1, residues 643-663): TTLAPEYLPT[Met653Val]SSTDMYHNTT

ClinVar aggregate classification (germline): Conflicting classifications of pathogenicity. Review status: criteria provided, conflicting classifications (1 of 4 stars). 2 submissions from 2 submitters: Uncertain significance (1); Likely benign (1). Last evaluated 2022-10-13.

Conditions:
Inborn genetic diseases. Identifiers: MedGen C0950123, MeSH D030342.

Allele frequency attached by ClinVar (database versions not stated): gnomAD exomes below 0.00001.
gnomAD v4.1: 1 of 1,597,000 alleles (0.000063%); highest among the groups gnomAD compares: Non-Finnish European, 0.000086%; no homozygotes.

Submissions (2):

Labcorp Genetics (formerly Invitae), Labcorp
Classification: Uncertain significance. Last evaluated: 2022-10-13. Review status: criteria provided, single submitter. Criteria: Invitae Variant Classification Sherloc (09022015). Collection method: clinical testing. Allele origin: germline.
Comment: Algorithms developed to predict the effect of missense changes on protein structure and function output the following: SIFT: "Tolerated"; PolyPhen-2: "Benign"; Align-GVGD: "Class C0". The valine amino acid residue is found in multiple mammalian species, which suggests that this missense change does not adversely affect protein function. This variant has not been reported in the literature in individuals affected with SLC4A4-related conditions. This variant is not present in population databases (gnomAD no frequency). This sequence change replaces methionine, which is neutral and non-polar, with valine, which is neutral and non-polar, at codon 609 of the SLC4A4 protein (p.Met609Val). In summary, the available evidence is currently insufficient to determine the role of this variant in disease. Therefore, it has been classified as a Variant of Uncertain Significance.

Ambry Genetics
Classification: Likely benign for Inborn genetic diseases. Last evaluated: 2022-10-12. Review status: criteria provided, single submitter. Criteria: Ambry Variant Classification Scheme 2023. Collection method: clinical testing. Allele origin: germline.